The following is an entry in ClinVar:

ClinVar aggregate classification (germline): Uncertain significance. Review status: criteria provided, multiple submitters, no conflicts (2 of 4 stars). 2 submissions from 2 submitters: Uncertain significance (2). Last evaluated 2025-08-28.

Conditions:
Inborn genetic diseases. Identifiers: MedGen C0950123, MeSH D030342.

Allele frequency attached by ClinVar (database versions not stated): ExAC 0.00001; gnomAD exomes 0.00001.
gnomAD v4.1: 3 of 1,613,842 alleles (0.00019%); highest among the groups gnomAD compares: South Asian, 0.0033%; no homozygotes.

Submissions (2):

Ambry Genetics
Classification: Uncertain significance for Inborn genetic diseases. Last evaluated: 2025-08-28. Review status: criteria provided, single submitter. Criteria: Ambry Variant Classification Scheme 2023. Collection method: clinical testing. Allele origin: germline.

Labcorp Genetics (formerly Invitae), Labcorp
Classification: Uncertain significance. Last evaluated: 2021-08-17. Review status: criteria provided, single submitter. Criteria: Invitae Variant Classification Sherloc (09022015). Collection method: clinical testing. Allele origin: germline.
Comment: This sequence change replaces valine with isoleucine at codon 1134 of the ADCY3 protein (p.Val1134Ile). The valine residue is highly conserved and there is a small physicochemical difference between valine and isoleucine. This variant is present in population databases (rs757959559, ExAC 0.006%). This variant has not been reported in the literature in individuals affected with ADCY3-related conditions. Algorithms developed to predict the effect of missense changes on protein structure and function output the following: SIFT: "Not Available"; PolyPhen-2: "Benign"; Align-GVGD: "Not Available". The isoleucine amino acid residue is found in multiple mammalian species, which suggests that this missense change does not adversely affect protein function. In summary, the available evidence is currently insufficient to determine the role of this variant in disease. Therefore, it has been classified as a Variant of Uncertain Significance.

NM_004036.5(ADCY3):c.3400G>A (p.Val1134Ile)

Genes: ADCY3 (adenylate cyclase 3; minus strand), CENPO (centromere protein O; plus strand). Cytogenetic location: 2p23.3.
Variant type: single nucleotide variant.
Coding change: c.3400G>A on transcript NM_004036.5 (MANE Select); coding-DNA position 3400, G replaced by A.
Protein change: p.Val1134Ile; replaces valine 1134 with isoleucine.
Molecular consequence: missense variant. On other transcripts: 3 prime UTR variant (4), non-coding transcript variant (3).
Genome position (GRCh38, 1-based): chr2:24,819,967, C>T on the plus strand (G>A on the coding strand, the complement: ADCY3 is on the minus strand). VCF-style: chr2-24819967-C-T. GRCh37 (hg19) VCF-style: chr2-25042836-C-T.
Other names: c.3403G>A, p.Val1135Ile (NM_001320613.2); c.3466G>A, p.Val1156Ile (NM_001377128.1); c.3262G>A, p.Val1088Ile (NM_001377129.1); c.*141G>A (NM_001377130.1); c.2677G>A, p.Val893Ile (NM_001377131.1); c.3400G>A, p.Val1134Ile (NM_001377132.1); c.*649C>T (NM_001199803.3, NM_001322101.2, NM_024322.4); c.3400G>A (NM_004036.3); short protein forms V1088I, V1135I, V1156I, V1134I, V893I.
Identifiers: ClinVar variation 1433686 (VCV001433686.7), dbSNP rs757959559, ClinGen allele CA1553399.